The following is an entry in ClinVar:

ClinVar aggregate classification (germline): Likely pathogenic (1 of 4 stars; one submission).

Conditions:
Cardiovascular phenotype. Identifiers: MedGen CN230736.

Submission:

Ambry Genetics
Classification: Likely pathogenic for Cardiovascular phenotype. Last evaluated: 2021-12-21. Review status: criteria provided, single submitter. Criteria: Ambry Variant Classification Scheme 2023. Collection method: clinical testing. Allele origin: germline.
Comment: The c.76127_76128dupCA variant, located in coding exon 185 of the TTN gene, results from a duplication of CA at nucleotide position 76127, causing a translational frameshift with a predicted alternate stop codon (p.A25377Qfs*16). This exon is located in the M-band region of the N2-B isoform of the titin protein and is constitutively expressed in TTN transcripts (percent spliced in or PSI 100%). This alteration is expected to result in loss of function by premature protein truncation or nonsense-mediated mRNA decay. While truncating variants in TTN are present in 1-3% of the general population, truncating variants in the M-band have been reported in association with autosomal recessive titinopathies, primarily presenting with skeletal myopathy phenotypes (Ceyhan-Birsoy O et al. Neurology. 2013 Oct 1;81(14):1205-14; De Cid R et al. Neurology. 2015;85(24):2126-35). In addition, regardless of their position, TTN truncating variants encoded in constitutive exons (PSI >90%) have been found to be significantly associated with dilated cardiomyopathy (DCM), though truncating variants in the A-band are the most common cause of DCM (Herman DS et al. N. Engl. J. Med., 2012 Feb;366:619-28; Roberts AM et al. Sci Transl Med, 2015 Jan;7:270ra6; Schafer S et al. Nat. Genet., 2017 01;49:46-53). Based on the majority of available evidence to date, this variant is likely to be pathogenic in association with autosomal recessive titinopathy; however, the clinical significance of this alteration with respect to cardiomyopathy remains unclear.

NM_001267550.2(TTN):c.103322_103323dup (p.Ala34442fs)

Genes: TTN (titin; minus strand), TTN-AS1 (TTN antisense RNA 1; plus strand). Cytogenetic location: 2q31.2.
Variant type: Microsatellite.
Coding change: c.103322_103323dup on transcript NM_001267550.2 (MANE Select); coding-DNA positions 103322 to 103323, 2 bases duplicated (CA; older notation c.103322_103323dupCA).
Protein change: p.Ala34442fs; shifts the reading frame from alanine 34442.
Molecular consequence: frameshift variant.
Genome position (GRCh38, 1-based): chr2:178,533,292-178,533,293, TG duplicated on the plus strand (CA on the coding strand, the reverse complement: TTN is on the minus strand); duplicating any 2 consecutive bases within chr2:178,533,292-178,533,296 gives the same sequence; the c. name uses the placement nearest the transcript's 3' end. VCF-style (leftmost placement, unchanged base first): chr2-178533291-C-CTG. GRCh37 (hg19) VCF-style: chr2-179398018-C-CTG.
Other names: c.98399_98400dup, p.Ala32801fs (NM_001256850.1); c.76127_76128dup, p.Ala25377fs (NM_003319.4); c.95618_95619dup, p.Ala31874fs (NM_133378.4); c.76502_76503dup, p.Ala25502fs (NM_133432.3); c.76703_76704dup, p.Ala25569fs (NM_133437.4); c.76127_76128dupCA (NM_003319.4); short protein forms A32801fs, A25377fs, A25569fs, A34442fs, A25502fs, A31874fs.
Identifiers: ClinVar variation 1759806 (VCV001759806.2), dbSNP rs2468486894, ClinGen allele CA2580614471.